The following is an entry in ClinVar:

NM_000257.4(MYH7):c.5791-106A>C

Gene: MYH7 (myosin heavy chain 7; minus strand). Cytogenetic location: 14q11.2.
Variant type: single nucleotide variant.
Coding change: c.5791-106A>C on transcript NM_000257.4 (MANE Select); 106 bases into the intron before coding-DNA position 5791, A replaced by C.
Molecular consequence: intron variant.
Genome position (GRCh38, 1-based): chr14:23,412,977, T>G on the plus strand (A>C on the coding strand, the complement: MYH7 is on the minus strand). VCF-style: chr14-23412977-T-G. GRCh37 (hg19) VCF-style: chr14-23882186-T-G.
Identifiers: ClinVar variation 671943 (VCV000671943.2), dbSNP rs7149517, ClinGen allele CA13987553.

ClinVar aggregate classification (germline): Benign. Review status: criteria provided, multiple submitters, no conflicts (2 of 4 stars). 2 submissions from 2 submitters: Benign (2). Last evaluated 2018-06-14.

Allele frequency attached by ClinVar (database versions not stated): 1000 Genomes Project 0.35104; 1000 Genomes Project 30x 0.35821; gnomAD 0.42324 and 0.43883; TOPMed 0.43416.
gnomAD v4.1: 418,438 of 1,181,558 alleles (35%); highest among the groups gnomAD compares: African/African-American, 68%; 81,528 homozygotes.

Submissions (2):

GeneDx
Classification: Benign. Last evaluated: 2018-06-14. Review status: criteria provided, single submitter. Criteria: GeneDx Variant Classification (06012015). Collection method: clinical testing. Allele origin: germline. Affected: yes.
Comment: This variant is considered likely benign or benign based on one or more of the following criteria: it is a conservative change, it occurs at a poorly conserved position in the protein, it is predicted to be benign by multiple in silico algorithms, and/or has population frequency not consistent with disease.

Breakthrough Genomics
Classification: Benign. Review status: criteria provided, single submitter. Criteria: ACMG Guidelines, 2015. Collection method: not provided. Allele origin: germline. Inheritance: Autosomal recessive inheritance. Affected: yes.